The following is an entry in ClinVar:

NM_000179.3(MSH6):c.3439-3C>G

Gene: MSH6 (mutS homolog 6; plus strand). Cytogenetic location: 2p16.3.
Variant type: single nucleotide variant.
Coding change: c.3439-3C>G on transcript NM_000179.3 (MANE Select); 3 bases into the intron before coding-DNA position 3439, C replaced by G.
Molecular consequence: intron variant.
Genome position (GRCh38, 1-based): chr2:47,804,907, C>G. VCF-style: chr2-47804907-C-G. GRCh37 (hg19) VCF-style: chr2-48032046-C-G.
Other names: c.3439-3C>G (NM_001406809.1, NM_001406796.1, NM_001406808.1 and 2 more transcripts); c.2533-3C>G (NM_001406811.1, NM_001406814.1, NM_001281493.2 and 6 more transcripts); c.3142-3C>G (NM_001406805.1, NM_001406797.1, NM_001406801.1 and 10 more transcripts); c.3535-3C>G (NM_001406795.1, NM_001406802.1); c.3445-3C>G (NM_001406813.1); c.2914-3C>G (NM_001406807.1, NM_001406799.1, NM_001406806.1); c.3265-3C>G (NM_001406798.1); c.2575-3C>G (NM_001406803.1); and 7 more.
Identifiers: ClinVar variation 2853529 (VCV002853529.4), dbSNP rs1114167792, ClinGen allele CA346759872.
Genomic context (GRCh38, chr2:47,804,907, plus strand): 5'-AGACAAAAGTTTATGAAACTGTTACTACCAGTCATAAAAGACCTTTTCCTCCCTCATTCA[C>G]AGGCTGGCTTATTAGCTGTAATGGCCCAGATGGGTTGTTACGTCCCTGCTGAAGTGTGCA-3'

ClinVar aggregate classification (germline): Uncertain significance. Review status: criteria provided, multiple submitters, no conflicts (2 of 4 stars). 2 submissions from 2 submitters: Uncertain significance (2). Last evaluated 2024-03-22.

Conditions:
Hereditary nonpolyposis colorectal neoplasms. Identifiers: MedGen C0009405, MeSH D003123.
Hereditary cancer-predisposing syndrome. Also called: Neoplastic Syndromes, Hereditary; Hereditary Cancer Syndrome; Tumor predisposition; Hereditary neoplastic syndrome. Identifiers: Orphanet 140162, MedGen C0027672, MeSH D009386, MONDO:0015356.

Submissions (2):

Ambry Genetics
Classification: Uncertain significance for Hereditary cancer-predisposing syndrome. Last evaluated: 2024-03-22. Review status: criteria provided, single submitter. Criteria: Ambry Variant Classification Scheme 2023. Collection method: clinical testing. Allele origin: germline.
Comment: The c.3439-3C>G intronic variant results from a C to G substitution 3 nucleotides upstream from coding exon 6 in the MSH6 gene. This nucleotide position is highly conserved in available vertebrate species. In silico splice site analysis predicts that this alteration will weaken the native splice acceptor site and will result in the creation or strengthening of a novel splice acceptor site; however, direct evidence is insufficient at this time (Ambry internal data). Based on the available evidence, the clinical significance of this alteration remains unclear.

Labcorp Genetics (formerly Invitae), Labcorp
Classification: Uncertain significance for Hereditary nonpolyposis colorectal neoplasms. Last evaluated: 2023-04-08. Review status: criteria provided, single submitter. Criteria: Invitae Variant Classification Sherloc (09022015). Collection method: clinical testing. Allele origin: germline.
Comment: This variant has not been reported in the literature in individuals affected with MSH6-related conditions. Variants that disrupt the consensus splice site are a relatively common cause of aberrant splicing (PMID: 17576681, 9536098). Algorithms developed to predict the effect of sequence changes on RNA splicing suggest that this variant may disrupt the consensus splice site. In summary, the available evidence is currently insufficient to determine the role of this variant in disease. Therefore, it has been classified as a Variant of Uncertain Significance. This sequence change falls in intron 5 of the MSH6 gene. It does not directly change the encoded amino acid sequence of the MSH6 protein. It affects a nucleotide within the consensus splice site. This variant is not present in population databases (gnomAD no frequency).

Literature cited by the submitters: PubMed 17576681 (cited by Labcorp Genetics (formerly Invitae), Labcorp); PubMed 9536098 (cited by Labcorp Genetics (formerly Invitae), Labcorp).